The following is an entry in ClinVar:

ClinVar aggregate classification (germline): Benign. Review status: criteria provided, multiple submitters, no conflicts (2 of 4 stars). 2 submissions from 2 submitters: Benign (2). Last evaluated 2018-01-13.

Conditions:
Oligodontia-cancer predisposition syndrome. Also called: TOOTH AGENESIS-COLORECTAL CANCER SYNDROME. Identifiers: Orphanet 300576, MedGen C1837750, MONDO:0012075, OMIM 608615. Disease mechanism: loss of function.

Allele frequency attached by ClinVar (database versions not stated): TOPMed 0.00439; gnomAD 0.00463 and 0.00561; 1000 Genomes Project 30x 0.00874; 1000 Genomes Project 0.00998; gnomAD exomes 0.01073.
gnomAD v4.1: 4,062 of 455,118 alleles (0.89%); highest among the groups gnomAD compares: South Asian, 4%; 66 homozygotes.

Submissions (2):

Illumina Laboratory Services, Illumina
Classification: Benign for Oligodontia-cancer predisposition syndrome. Last evaluated: 2018-01-13. Review status: criteria provided, single submitter. Criteria: ICSL Variant Classification Criteria 13 December 2019. Collection method: clinical testing. Allele origin: germline.
Comment: This variant was observed in the ICSL laboratory as part of a predisposition screen in an ostensibly healthy population. It had not been previously curated by ICSL or reported in the Human Gene Mutation Database (HGMD: prior to June 1st, 2018), and was therefore a candidate for classification through an automated scoring system. Utilizing variant allele frequency, disease prevalence and penetrance estimates, and inheritance mode, an automated score was calculated to assess if this variant is too frequent to cause the disease. Based on the score and internal cut-off values, a variant classified as benign is not then subjected to further curation. The score for this variant resulted in a classification of benign for this disease.

Breakthrough Genomics
Classification: Benign. Review status: criteria provided, single submitter. Criteria: ACMG Guidelines, 2015. Collection method: not provided. Allele origin: germline. Inheritance: Autosomal dominant inheritance. Affected: yes.

NM_004655.4(AXIN2):c.*309C>A

Gene: AXIN2 (axin 2; minus strand). Cytogenetic location: 17q24.1.
Variant type: single nucleotide variant.
Coding change: c.*309C>A on transcript NM_004655.4 (MANE Select); 309 bases downstream of the stop codon, C replaced by A.
Molecular consequence: 3 prime UTR variant.
Genome position (GRCh38, 1-based): chr17:65,529,667, G>T on the plus strand (C>A on the coding strand, the complement: AXIN2 is on the minus strand). VCF-style: chr17-65529667-G-T. GRCh37 (hg19) VCF-style: chr17-63525785-G-T.
Other names: c.*309C>A (LRG_296t1, NM_001363813.1).
Identifiers: ClinVar variation 324639 (VCV000324639.6), dbSNP rs192185171, ClinGen allele CA10650735.